The following is an entry in ClinVar:

NM_014714.4(IFT140):c.2158C>G (p.Leu720Val)

Gene: IFT140 (intraflagellar transport 140; minus strand). Cytogenetic location: 16p13.3.
Variant type: single nucleotide variant.
Coding change: c.2158C>G on transcript NM_014714.4 (MANE Select); coding-DNA position 2158, C replaced by G.
Protein change: p.Leu720Val; replaces leucine 720 with valine.
Molecular consequence: missense variant.
Genome position (GRCh38, 1-based): chr16:1,562,026, G>C on the plus strand (C>G on the coding strand, the complement: IFT140 is on the minus strand). VCF-style: chr16-1562026-G-C. GRCh37 (hg19) VCF-style: chr16-1612027-G-C.
Other names: short protein forms L720V.
Identifiers: ClinVar variation 1464774 (VCV001464774.8), dbSNP rs756482228, ClinGen allele CA394203358.
Genomic context (GRCh38, chr16:1,562,026, plus strand): 5'-GGATGTCGTGGCTTCGTACCTTTCTTGTGAAGTAGTAATAAGGCACTTCCATCCCCAGGA[G>C]ACTGTGGGAGGTGGCAGGCCGGGGGAAGCTCTCATGAAGCAGGAAGCCGTGCTCTTCGGA-3'
Protein context (NP_055529.2, residues 710-730): SFPRPATSHS[Leu720Val]LGMEVPYYYF

ClinVar aggregate classification (germline): Uncertain significance (1 of 4 stars; one submission).

Conditions:
Saldino-Mainzer syndrome (SRTD9). Also called: Renal dysplasia, retinal pigmentary dystrophy, cerebellar ataxia and skeletal dysplasia; CONORENAL SYNDROME; SHORT-RIB THORACIC DYSPLASIA 9 WITHOUT POLYDACTYLY; short-rib thoracic dysplasia 9 with or without polydactyly. Identifiers: Orphanet 140969, MedGen C1849437, MONDO:0009964, OMIM 266920.

gnomAD v4.1: 2 of 1,611,874 alleles (0.00012%); highest among the groups gnomAD compares: Non-Finnish European, 0.00017%; no homozygotes.

Submission:

Labcorp Genetics (formerly Invitae), Labcorp
Classification: Uncertain significance for Saldino-Mainzer syndrome. Last evaluated: 2025-04-16. Review status: criteria provided, single submitter. Criteria: Invitae Variant Classification Sherloc (09022015). Collection method: clinical testing. Allele origin: germline.
Comment: This sequence change replaces leucine, which is neutral and non-polar, with valine, which is neutral and non-polar, at codon 720 of the IFT140 protein (p.Leu720Val). This variant is not present in population databases (gnomAD no frequency). This variant has not been reported in the literature in individuals affected with IFT140-related conditions. ClinVar contains an entry for this variant (Variation ID: 1464774). Invitae Evidence Modeling of protein sequence and biophysical properties (such as structural, functional, and spatial information, amino acid conservation, physicochemical variation, residue mobility, and thermodynamic stability) indicates that this missense variant is not expected to disrupt IFT140 protein function with a negative predictive value of 80%. In summary, the available evidence is currently insufficient to determine the role of this variant in disease. Therefore, it has been classified as a Variant of Uncertain Significance.